The following continues an entry in ClinVar:

NM_024685.4(BBS10):c.271dup (p.Cys91fs)

Gene: BBS10. ClinVar aggregate classification (germline): Pathogenic/Likely pathogenic. Pathogenic (34); Likely pathogenic (2).

Submissions 15 to 34 of 46:

SN ONGC Dept of Genetics and Molecular biology Vision Research Foundation
Classification: Pathogenic for Bardet-Biedl syndrome. Last evaluated: 2023-01-02. Review status: criteria provided, single submitter. Criteria: ACMG Guidelines, 2015. Collection method: research. Allele origin: biparental. Affected: yes.
Comment: This variant was observed as homozygous in one proband and in compound heterozygosity with variant NC_000012.11:g.76740165_76740168del in one proband and with variant NC_000012.11:g.76740622A>C in another proband.

Institute of Human Genetics, Univ. Regensburg, Univ. Regensburg
Classification: Pathogenic for Retinal dystrophy. Last evaluated: 2023-01-01. Review status: criteria provided, single submitter. Criteria: ACMG Guidelines, 2015. Collection method: clinical testing. Allele origin: germline. Affected: yes.

MGZ Medical Genetics Center
Classification: Pathogenic for Bardet-Biedl syndrome 10. Last evaluated: 2022-06-02. Review status: criteria provided, single submitter. Criteria: ACMG Guidelines, 2015. Collection method: clinical testing. Allele origin: germline. Affected: yes. Observed: 1 variant allele.
Comment: ACMG criteria applied: PVS1, PM3_STR, PS4_MOD, PM2_SUP

GeneDx
Classification: Pathogenic. Last evaluated: 2022-01-18. Review status: criteria provided, single submitter. Criteria: GeneDx Variant Classification Process June 2021. Collection method: clinical testing. Allele origin: germline. Affected: yes.
Comment: Frameshift variant predicted to result in protein truncation, as the last 633 amino acids are replaced with 4 different amino acids, and other loss-of-function variants have been reported downstream in HGMD; This variant is associated with the following publications: (PMID: 20177705, 21463199, 27245532, 29974258, 24746959, 24400638, 16582908, 20472660, 25988237, 20805367, 28143435, 30614526, 30718709, 30947698, 28041643, 30312873, 29096039, 30767287, 32349990, 32581362, 24077912)

Ambry Genetics
Classification: Pathogenic for Inborn genetic diseases. Last evaluated: 2022-01-12. Review status: criteria provided, single submitter. Criteria: Ambry Variant Classification Scheme 2023. Collection method: clinical testing. Allele origin: germline.
Comment: The c.271dupT (p.C91Lfs*5) alteration, located in coding exon 2 of the BBS10 gene, consists of a duplication of T at position 271, causing a translational frameshift with a predicted alternate stop codon after 5 amino acids. This alteration occurs at the 3' terminus of the BBS10 gene, is not expected to trigger nonsense-mediated mRNA decay, and impacts 88% of the protein. However, premature stop codons are typically deleterious in nature and a significant portion of the protein is affected (Ambry internal data). This mutation has been reported both in homozygous and compound heterozygous form in 58 families with Bardet-Biedl syndrome (Stoetzel, 2006; Chen, 2011; Imhoff, 2011; Deveault, 2011; Janssen, 2011). Haplotyping data suggested that this is an ancient founder mutation found in several ethnic groups (Stoetzel, 2006). Based on the available evidence, this alteration is classified as pathogenic.

Fulgent Genetics
Classification: Pathogenic for Bardet-Biedl syndrome 10. Last evaluated: 2021-06-30. Review status: criteria provided, single submitter. Criteria: ACMG Guidelines, 2015. Collection method: clinical testing. Allele origin: unknown.
Comment: This variant has been detected in individual(s) who were sent for testing of Renasight - kidney gene panel.

Genetics and Genomic Medicine Centre, NeuroGen Healthcare, NeuroGen Healthcare
Classification: Pathogenic for Bardet-Biedl syndrome 10. Last evaluated: 2021-01-19. Review status: criteria provided, single submitter. Criteria: Submitter's publication. Collection method: clinical testing. Allele origin: unknown. Affected: no.

Myriad Genetics, Inc.
Classification: Pathogenic for Bardet-Biedl syndrome 10. Last evaluated: 2019-11-12. Review status: criteria provided, single submitter. Criteria: Myriad Women's Health Autosomal Recessive and X-Linked Classification Criteria (2019). Collection method: clinical testing. Allele origin: unknown.
Comment: NM_024685.3(BBS10):c.271dupT(C91Lfs*5) is classified as pathogenic in the context of Bardet-Biedl syndrome, BBS10-related. Sources cited for classification include the following: PMID 16582908, 20120035, 21209035, 20805367 and 24746959. Classification of NM_024685.3(BBS10):c.271dupT(C91Lfs*5) is based on the following criteria: The variant causes a premature termination codon that is expected to be targeted by nonsense-mediated mRNA decay and is reported in individuals with the relevant phenotype. Please note: this variant was assessed in the context of healthy population screening.

Centre for Mendelian Genomics, University Medical Centre Ljubljana
Classification: Pathogenic for Bardet-Biedl syndrome 10. Last evaluated: 2018-11-30. Review status: criteria provided, single submitter. Criteria: ACMG Guidelines, 2015. Collection method: clinical testing. Allele origin: unknown. Affected: yes.
Comment: This variant was classified as: Pathogenic. The following ACMG criteria were applied in classifying this variant: PVS1,PM4,PP3,PP5.

MAGI'S LAB - Medical Genetics Laboratory, MAGI GROUP
Classification: Pathogenic for Bardet-Biedl syndrome. Last evaluated: 2018-10-01. Review status: criteria provided, single submitter. Criteria: ACMG Guidelines, 2015. Collection method: clinical testing. Allele origin: germline. Affected: yes.

Clinical Genetics DNA and cytogenetics Diagnostics Lab, Erasmus MC, Erasmus Medical Center
Classification: Pathogenic for Bardet-Biedl syndrome 1. Last evaluated: 2017-05-31. Review status: criteria provided, single submitter. Criteria: ACGS Guidelines, 2013. Collection method: clinical testing. Allele origin: germline. Affected: yes. Study: VKGL Data-share Consensus.

Women's Health and Genetics/Laboratory Corporation of America, LabCorp
Classification: Pathogenic for Bardet-Biedl syndrome. Last evaluated: 2017-05-14. Review status: criteria provided, single submitter. Criteria: LabCorp Variant Classification Summary - May 2015. Collection method: clinical testing. Allele origin: germline.
Comment: Variant summary: The BBS10 c.271dupT (p.Cys91Leufs) variant results in a premature termination codon, predicted to cause a truncated or absent BBS10 protein due to nonsense mediated decay, which are commonly known mechanisms for disease. This variant was found in 81/119742 control chromosomes at a frequency of 0.0006765, which does not exceed the estimated maximal expected allele frequency of a pathogenic BBS10 variant (0.0013363). The variant of interest has been reported in multiple affected homozygous and compound heterozygous individuals. In addition, multiple clinical diagnostic laboratories/reputable databases classified this variant as pathogenic. Taken together, this variant is classified as pathogenic.

Illumina Laboratory Services, Illumina
Classification: Pathogenic for Bardet-Biedl syndrome 10. Last evaluated: 2017-04-27. Review status: criteria provided, single submitter. Criteria: ICSL Variant Classification Criteria 09 May 2019. Collection method: clinical testing. Allele origin: germline.
Comment: The BBS10 c.271dupT (p.Cys91LeufsTer5) variant results in a frameshift and is predicted to result in premature termination of the protein. The p.Cys91LeufsTer5 is well-documented as a common founder mutation in several ethnic groups (Suspitsin et al. 2016). Stoetzel et al. (2006) sequenced 311 families with Bardet-Biedl syndrome (BBS) and found the p.Cys91LeufsTer5 variant in 18 patients in a homozygous state, 13 in a compound heterozygous state, and five in a heterozygous state, accounting for 46% of variants detected. BBS is known to follow a complex inheritance pattern; several individuals were found in this study who also carried a third variant in one of the other genes known to be associated with BBS. The p.Cys91LeufsTer5 variant has also been identified in a homozygous state in affected individuals from two families, one of Indian descent and one of Northern European descent; Control data are unavailable for this variant which is reported at a frequency of 0.00121 in the European American population of the Exome Sequencing Project. Based on the evidence, the p.Cys91LeufsTer5 variant is classified as pathogenic for Bardet-Biedl syndrome. This variant was observed by ICSL as part of a predisposition screen in an ostensibly healthy population.

Genetic Services Laboratory, University of Chicago
Classification: Pathogenic for Bardet-Biedl syndrome 10. Last evaluated: 2016-03-15. Review status: criteria provided, single submitter. Criteria: ACMG Guidelines, 2015. Collection method: clinical testing. Allele origin: germline. Affected: yes.

Eurofins Ntd Llc (ga)
Classification: Pathogenic. Last evaluated: 2016-02-22. Review status: criteria provided, single submitter. Criteria: EGL Classification Definitions. Collection method: clinical testing. Allele origin: germline. Observed: 7 variant alleles, 4 heterozygotes.

Genome Diagnostics Laboratory, University Medical Center Utrecht
Classification: Pathogenic for Bardet-Biedl syndrome 1. Last evaluated: 2016-01-27. Review status: criteria provided, single submitter. Criteria: ACGS Guidelines, 2013. Collection method: clinical testing. Allele origin: germline. Affected: yes. Study: VKGL Data-share Consensus.

Athena Diagnostics
Classification: Pathogenic. Last evaluated: 2015-09-08. Review status: criteria provided, single submitter. Criteria: Athena Diagnostics Criteria. Collection method: clinical testing. Allele origin: germline.

Clinical Genetics Service, Universitary Hospital 12 de Octubre
Classification: Pathogenic for Bardet-Biedl syndrome 10. Review status: criteria provided, single submitter. Criteria: ACMG Guidelines, 2015. Collection method: clinical testing. Allele origin: maternal. Affected: yes.

Department of Medical Genetics, Sanjay Gandhi Post Graduate Institute of Medical Sciences
Classification: Pathogenic for Bardet-Biedl syndrome 10. Review status: criteria provided, single submitter. Criteria: ACMG Guidelines, 2015. Collection method: clinical testing. Allele origin: germline. Inheritance: Autosomal recessive inheritance. Affected: yes. Observed: 1 homozygote.
Comment: Sanger sequencing showed a homozygous sequence variant in BBS10 gene resulting in frameshift. It is predicted as pathogenic by MutationTaster. This variant is classified as pathogenic which shows strong evidence of pathogenicity according to ACMG guidelines (Richards et al., 2015).

Kariminejad - Najmabadi Pathology & Genetics Center
Classification: Likely pathogenic for Bardet-Biedl syndrome 10. Review status: criteria provided, single submitter. Criteria: ACMG Guidelines, 2015. Collection method: clinical testing. Allele origin: germline. Affected: no.